The following is an entry in ClinVar:

ClinVar aggregate classification (germline): Conflicting classifications of pathogenicity. Review status: criteria provided, conflicting classifications (1 of 4 stars). 9 submissions from 9 submitters: Pathogenic (6); Uncertain significance (1). 2 of the submissions do not count toward it. Last evaluated 2026-06-23.

Conditions:
MYBPC3-related disorder. Also called: MYBPC3-related disorders; MYBPC3-related condition; MYBPC3-related disease.
Primary familial hypertrophic cardiomyopathy (HCM). Identifiers: Orphanet 99739, MedGen C0949658, MeSH D024741, MONDO:0024573. Inheritance: Various modes of inheritance.
Cardiovascular phenotype. Identifiers: MedGen CN230736.
Hypertrophic cardiomyopathy 4. Also called: Familial hypertrophic cardiomyopathy 4. Identifiers: MedGen C1861862, MONDO:0007268, OMIM 115197.
Cardiomyopathy (CMYO). Also called: Cardiomyopathies. Identifiers: Orphanet 167848, MedGen C0878544, MONDO:0004994, HP:0001638. Inheritance: Various modes of inheritance.
Hypertrophic cardiomyopathy. Also called: HYPERTROPHIC MYOCARDIOPATHY. Identifiers: Orphanet 217569, MedGen C0007194, MeSH D002312, MONDO:0005045, HP:0001639.

Allele frequency attached by ClinVar (database versions not stated): gnomAD exomes below 0.00001.

Submissions (9):

Ambry Genetics
Classification: Uncertain significance for Cardiovascular phenotype. Last evaluated: 2026-06-23. Review status: criteria provided, single submitter. Criteria: Ambry Variant Classification Scheme 2023. Collection method: clinical testing. Allele origin: germline.
Comment: The c.2149-2delA intronic variant, located in intron 22 of the MYBPC3 gene, results from a deletion of one nucleotide within intron 22 of the MYBPC3 gene. This variant was reported in individual(s) with features consistent with hypertrophic cardiomyopathy (HCM) (Alders M et al. Eur Heart J, 2003 Oct;24:1848-53; van Lint FHM et al. Neth Heart J, 2019 Jun;27:304-309). Variants that disrupt the canonical splice site are expected to result in aberrant splicing. In silico splice site analysis predicts that this alteration will weaken the native splice acceptor site and may result in the creation or strengthening of a novel splice acceptor site. A resulting transcript is predicted to be in-frame and is not expected to trigger nonsense-mediated mRNAdecay; although, direct evidence is unavailable. This nucleotide position is highly conserved in available vertebrate species. Based on the available evidence, the clinical significance of this variant remains unclear.

Color Diagnostics, LLC DBA Color Health
Classification: Pathogenic for Cardiomyopathy. Last evaluated: 2025-09-08. Review status: criteria provided, single submitter. Criteria: ACMG Guidelines, 2015. Collection method: clinical testing. Allele origin: germline.
Comment: This variant causes a deletion of A nucleotide at -2 position in the intron 23 splice acceptor site in the MYBPC3 gene. This variant is predicted to impair RNA splicing and result in the loss of MYBPC3 gene function. A different variant that disrupts the same splice acceptor site, c.2149-1G>A, is known to cause disease (ClinVar variation ID: 177814). This variant has been reported in individuals affected with hypertrophic cardiomyopathy (PMID: 30847665, 39260623). This variant has not been identified in the general population by the Genome Aggregation Database (gnomAD). Loss of MYBPC3 function is a known mechanism of disease. Based on the available evidence, this variant is classified as Pathogenic.

Labcorp Genetics (formerly Invitae), Labcorp
Classification: Pathogenic for Hypertrophic cardiomyopathy. Last evaluated: 2024-09-09. Review status: criteria provided, single submitter. Criteria: Invitae Variant Classification Sherloc (09022015). Collection method: clinical testing. Allele origin: germline.
Comment: This sequence change affects a splice site in intron 22 of the MYBPC3 gene. It is expected to disrupt RNA splicing. Variants that disrupt the donor or acceptor splice site typically lead to a loss of protein function (PMID: 16199547), and loss-of-function variants in MYBPC3 are known to be pathogenic (PMID: 19574547). This variant is not present in population databases (gnomAD no frequency). Disruption of this splice site has been observed in individuals with hypertrophic cardiomyopathy (PMID: 14563344; internal data). This variant is also known as IVS23-2delA. ClinVar contains an entry for this variant (Variation ID: 437425). Algorithms developed to predict the effect of sequence changes on RNA splicing suggest that this variant may disrupt the consensus splice site. For these reasons, this variant has been classified as Pathogenic.

Blueprint Genetics
Classification: Pathogenic for MYBPC3-related disorders. Last evaluated: 2023-09-01. Review status: criteria provided, single submitter. Criteria: ACMG Guidelines, 2015. Collection method: clinical testing. Allele origin: germline. Affected: yes. Observed: 1 variant allele.

Center of Genomic medicine, Geneva, University Hospital of Geneva
Classification: Pathogenic for Hypertrophic cardiomyopathy 4. Last evaluated: 2016-09-14. Review status: criteria provided, single submitter. Criteria: ACMG Guidelines, 2015. Collection method: clinical testing. Allele origin: germline. Affected: yes.

Clinical Genetics DNA and cytogenetics Diagnostics Lab, Erasmus MC, Erasmus Medical Center
Classification: Pathogenic for Hypertrophic cardiomyopathy 4. Last evaluated: 2015-09-21. Review status: criteria provided, single submitter. Criteria: ACGS Guidelines, 2013. Collection method: clinical testing. Allele origin: germline. Affected: yes. Study: VKGL Data-share Consensus.

Molecular Diagnostic Laboratory for Inherited Cardiovascular Disease, Montreal Heart Institute
Classification: Pathogenic for Primary familial hypertrophic cardiomyopathy. Review status: criteria provided, single submitter. Criteria: ACMG Guidelines, 2015. Collection method: clinical testing. Allele origin: germline. Affected: yes.

Clinical Genetics, Academic Medical Center
Classification: Pathogenic. Review status: no assertion criteria provided. Collection method: clinical testing. Allele origin: germline. Affected: yes. Study: VKGL Data-share Consensus. Not counted in ClinVar's aggregate classification.

Joint Genome Diagnostic Labs from Nijmegen and Maastricht, Radboudumc and MUMC+
Classification: Pathogenic. Review status: no assertion criteria provided. Collection method: clinical testing. Allele origin: germline. Affected: yes. Study: VKGL Data-share Consensus. Not counted in ClinVar's aggregate classification.

Literature cited by the submitters: PubMed 14563344 (cited by Ambry Genetics and Labcorp Genetics (formerly Invitae), Labcorp); PubMed 30847666 (cited by Ambry Genetics); PubMed 30847665 (cited by Color Diagnostics, LLC DBA Color Health); PubMed 39260623 (cited by Color Diagnostics, LLC DBA Color Health); PubMed 16199547 (cited by Labcorp Genetics (formerly Invitae), Labcorp); PubMed 19574547 (cited by Labcorp Genetics (formerly Invitae), Labcorp).

NM_000256.3(MYBPC3):c.2149-2del

Gene: MYBPC3 (myosin binding protein C3; minus strand). Cytogenetic location: 11p11.2.
Variant type: Deletion.
Coding change: c.2149-2del on transcript NM_000256.3 (MANE Select); the canonical splice acceptor site of the intron before coding-DNA position 2149, one base deleted (A; older notation c.2149-2delA).
Molecular consequence: splice acceptor variant.
Genome position (GRCh38, 1-based): chr11:47,338,681, T deleted on the plus strand (A on the coding strand, the reverse complement: MYBPC3 is on the minus strand). VCF-style (leftmost placement, unchanged base first): chr11-47338680-CT-C. GRCh37 (hg19) VCF-style: chr11-47360231-CT-C.
Other names: c.2149-2delA (NM_000256.3).
Identifiers: ClinVar variation 437425 (VCV000437425.15), dbSNP rs1555121488, ClinGen allele CA645372895.